The following is an entry in ClinVar:

NM_021096.4(CACNA1I):c.3810C>T (p.Val1270=)

Gene: CACNA1I (calcium voltage-gated channel subunit alpha1 I; plus strand). Cytogenetic location: 22q13.1.
Variant type: single nucleotide variant.
Coding change: c.3810C>T on transcript NM_021096.4 (MANE Select); coding-DNA position 3810, C replaced by T.
Protein change: p.Val1270=; no amino-acid change (valine 1270 retained).
Molecular consequence: synonymous variant.
Genome position (GRCh38, 1-based): chr22:39,664,882, C>T. VCF-style: chr22-39664882-C-T. GRCh37 (hg19) VCF-style: chr22-40060887-C-T.
Other names: c.3705C>T, p.Val1235= (NM_001003406.2).
Identifiers: ClinVar variation 709524 (VCV000709524.6), dbSNP rs184194154, ClinGen allele CA10244521.

ClinVar aggregate classification (germline): Benign. Review status: criteria provided, multiple submitters, no conflicts (2 of 4 stars). 3 submissions from 3 submitters: Benign (2). 1 of the submissions does not count toward it. Last evaluated 2018-05-14.

Conditions:
CACNA1I-related disorder. Also called: CACNA1I-related condition.

Allele frequency attached by ClinVar (database versions not stated): gnomAD exomes 0.00081; ExAC 0.00100; ESP Exome Variant Server 0.00273; gnomAD 0.00340 and 0.00367; TOPMed 0.00372; 1000 Genomes Project 0.00419; 1000 Genomes Project 30x 0.00515.
gnomAD v4.1: 998 of 1,612,996 alleles (0.062%); highest among the groups gnomAD compares: African/African-American, 1.2%; 7 homozygotes.

Submissions (3):

Labcorp Genetics (formerly Invitae), Labcorp
Classification: Benign. Last evaluated: 2018-05-14. Review status: criteria provided, single submitter. Criteria: Invitae Variant Classification Sherloc (09022015). Collection method: clinical testing. Allele origin: germline.

Breakthrough Genomics
Classification: Benign. Review status: criteria provided, single submitter. Criteria: ACMG Guidelines, 2015. Collection method: not provided. Allele origin: germline. Inheritance: Autosomal dominant inheritance. Affected: yes.

PreventionGenetics, part of Exact Sciences
Classification: Benign for CACNA1I-related condition. Last evaluated: 2019-06-27. Review status: no assertion criteria provided. Collection method: clinical testing. Allele origin: germline. Not counted in ClinVar's aggregate classification.
Comment: This variant is classified as benign based on ACMG/AMP sequence variant interpretation guidelines (Richards et al. 2015 PMID: 25741868, with internal and published modifications).